The following is an entry in ClinVar:

ClinVar aggregate classification (germline): Uncertain significance (1 of 4 stars; one submission).

Conditions:
Familial focal epilepsy with variable foci (FPEVF). Identifiers: Orphanet 98820, MedGen C1858477, MONDO:0020310.

Allele frequency attached by ClinVar (database versions not stated): ExAC 0.00001; gnomAD exomes 0.00001; TOPMed 0.00001.
gnomAD v4.1: 4 of 1,614,128 alleles (0.00025%); highest among the groups gnomAD compares: Admixed American, 0.005%; no homozygotes.

Submission:

Labcorp Genetics (formerly Invitae), Labcorp
Classification: Uncertain significance for Familial focal epilepsy with variable foci. Last evaluated: 2023-11-02. Review status: criteria provided, single submitter. Criteria: Invitae Variant Classification Sherloc (09022015). Collection method: clinical testing. Allele origin: germline.
Comment: This sequence change replaces proline, which is neutral and non-polar, with serine, which is neutral and polar, at codon 593 of the DEPDC5 protein (p.Pro593Ser). This variant is present in population databases (rs777632867, gnomAD 0.006%). This variant has not been reported in the literature in individuals affected with DEPDC5-related conditions. ClinVar contains an entry for this variant (Variation ID: 1050921). Experimental studies and prediction algorithms are not available or were not evaluated, and the functional significance of this variant is currently unknown. In summary, the available evidence is currently insufficient to determine the role of this variant in disease. Therefore, it has been classified as a Variant of Uncertain Significance.

NM_001242896.3(DEPDC5):c.1777C>T (p.Pro593Ser)

Gene: DEPDC5 (DEP domain containing 5, GATOR1 subcomplex subunit; plus strand). Cytogenetic location: 22q12.3.
Variant type: single nucleotide variant.
Coding change: c.1777C>T on transcript NM_001242896.3 (MANE Select); coding-DNA position 1777, C replaced by T.
Protein change: p.Pro593Ser; replaces proline 593 with serine.
Molecular consequence: missense variant. On other transcripts: non-coding transcript variant (5).
Genome position (GRCh38, 1-based): chr22:31,819,132, C>T. VCF-style: chr22-31819132-C-T. GRCh37 (hg19) VCF-style: chr22-32215118-C-T.
Other names: c.1777C>T, p.Pro593Ser (NM_001136029.4, NM_001242897.2, NM_001363852.2 and 6 more transcripts); c.1693C>T, p.Pro565Ser (NM_001369901.1, NM_001369902.1); short protein forms P565S, P593S.
Identifiers: ClinVar variation 1050921 (VCV001050921.9), dbSNP rs777632867, ClinGen allele CA10196462.